The following is an entry in ClinVar:

ClinVar aggregate classification (germline): Uncertain significance (1 of 4 stars; one submission).

Conditions:
Charcot-Marie-Tooth disease, type I (CMT1). Also called: Charcot-Marie-Tooth, Type 1; Charcot-Marie-Tooth disease type 1. Identifiers: Orphanet 65753, MedGen C0751036, MONDO:0019011.

Submission:

Labcorp Genetics (formerly Invitae), Labcorp
Classification: Uncertain significance for Charcot-Marie-Tooth disease, type I. Last evaluated: 2023-11-01. Review status: criteria provided, single submitter. Criteria: Invitae Variant Classification Sherloc (09022015). Collection method: clinical testing. Allele origin: germline.
Comment: This sequence change replaces tryptophan, which is neutral and slightly polar, with glycine, which is neutral and non-polar, at codon 66 of the MPZ protein (p.Trp66Gly). This variant is not present in population databases (gnomAD no frequency). This variant has not been reported in the literature in individuals affected with MPZ-related conditions. Advanced modeling of protein sequence and biophysical properties (such as structural, functional, and spatial information, amino acid conservation, physicochemical variation, residue mobility, and thermodynamic stability) performed at Invitae indicates that this missense variant is expected to disrupt MPZ protein function with a positive predictive value of 80%. In summary, the available evidence is currently insufficient to determine the role of this variant in disease. Therefore, it has been classified as a Variant of Uncertain Significance.

NM_000530.8(MPZ):c.196T>G (p.Trp66Gly)

Gene: MPZ (myelin protein zero; minus strand). Cytogenetic location: 1q23.3.
Variant type: single nucleotide variant.
Coding change: c.196T>G on transcript NM_000530.8 (MANE Select); coding-DNA position 196, T replaced by G.
Protein change: p.Trp66Gly; replaces tryptophan 66 with glycine.
Molecular consequence: missense variant.
Genome position (GRCh38, 1-based): chr1:161,307,296, A>C on the plus strand (T>G on the coding strand, the complement: MPZ is on the minus strand). VCF-style: chr1-161307296-A-C. GRCh37 (hg19) VCF-style: chr1-161277086-A-C.
Other names: c.196T>G, p.Trp66Gly (NM_001315491.2); short protein forms W66G.
Identifiers: ClinVar variation 2773160 (VCV002773160.3), dbSNP rs1060503421, ClinGen allele CA343350589.